The following is an entry in ClinVar:

NM_001276270.2(MBD4):c.766G>C (p.Gly256Arg)

Gene: MBD4 (methyl-CpG binding domain 4, DNA glycosylase; minus strand). Cytogenetic location: 3q21.3.
Variant type: single nucleotide variant.
Coding change: c.766G>C on transcript NM_001276270.2 (MANE Select); coding-DNA position 766, G replaced by C.
Protein change: p.Gly256Arg; replaces glycine 256 with arginine.
Molecular consequence: missense variant. On other transcripts: intron variant (1).
Genome position (GRCh38, 1-based): chr3:129,436,878, C>G on the plus strand (G>C on the coding strand, the complement: MBD4 is on the minus strand). VCF-style: chr3-129436878-C-G. GRCh37 (hg19) VCF-style: chr3-129155721-C-G.
Other names: c.766G>C, p.Gly256Arg (NM_001276271.2, NM_001276272.2, NM_003925.3); c.247+930G>C (NM_001276273.2); short protein forms G256R.
Identifiers: ClinVar variation 3667301 (VCV003667301.3).

ClinVar aggregate classification (germline): Uncertain significance. Review status: criteria provided, multiple submitters, no conflicts (2 of 4 stars). 2 submissions from 2 submitters: Uncertain significance (2). Last evaluated 2025-11-03.

Conditions:
Inborn genetic diseases. Identifiers: MedGen C0950123, MeSH D030342.

gnomAD v4.1: 13 of 1,614,160 alleles (0.00081%); highest among the groups gnomAD compares: Non-Finnish European, 0.0011%; no homozygotes.

Submissions (2):

Labcorp Genetics (formerly Invitae), Labcorp
Classification: Uncertain significance. Last evaluated: 2025-11-03. Review status: criteria provided, single submitter. Criteria: Invitae Variant Classification Sherloc (09022015). Collection method: clinical testing. Allele origin: germline.
Comment: This sequence change replaces glycine, which is neutral and non-polar, with arginine, which is basic and polar, at codon 256 of the MBD4 protein (p.Gly256Arg). This variant is not present in population databases (gnomAD no frequency). This variant has not been reported in the literature in individuals affected with MBD4-related conditions. ClinVar contains an entry for this variant (Variation ID: 3667301). An algorithm developed to predict the effect of missense changes on protein structure and function (PolyPhen-2) suggests that this variant is likely to be tolerated. In summary, the available evidence is currently insufficient to determine the role of this variant in disease. Therefore, it has been classified as a Variant of Uncertain Significance.

Ambry Genetics
Classification: Uncertain significance for Inborn genetic diseases. Last evaluated: 2025-08-31. Review status: criteria provided, single submitter. Criteria: Ambry Variant Classification Scheme 2023. Collection method: clinical testing. Allele origin: germline.
Comment: The p.G256R variant (also known as c.766G>C), located in coding exon 3 of the MBD4 gene, results from a G to C substitution at nucleotide position 766. The glycine at codon 256 is replaced by arginine, an amino acid with dissimilar properties. This amino acid position is conserved. In addition, this alteration is predicted to be tolerated by in silico analysis. Based on the available evidence, the clinical significance of this variant remains unclear.